The following is an entry in ClinVar:

ClinVar aggregate classification (germline): Benign/Likely benign. Review status: criteria provided, multiple submitters, no conflicts (2 of 4 stars). 3 submissions from 2 submitters: Benign (2); Likely benign (1). Last evaluated 2019-02-14.

Conditions:
Revesz syndrome. Also called: EXUDATIVE RETINOPATHY WITH BONE MARROW FAILURE; DYSKERATOSIS CONGENITA, AUTOSOMAL DOMINANT 5. Identifiers: Orphanet 3088, MedGen C1327916, MONDO:0009990, OMIM 268130.
Dyskeratosis congenita, autosomal dominant 3. Identifiers: MedGen C3151445, MONDO:0013522, OMIM 613990.

Allele frequency attached by ClinVar (database versions not stated): 1000 Genomes Project 0.00539; 1000 Genomes Project 30x 0.00609; gnomAD 0.00797 and 0.00868; TOPMed 0.00876.

Submissions (3):

GeneDx
Classification: Likely benign. Last evaluated: 2019-02-14. Review status: criteria provided, single submitter. Criteria: GeneDx Variant Classification Process June 2021. Collection method: clinical testing. Allele origin: germline. Affected: yes.

Illumina Laboratory Services, Illumina
Classification: Benign for Revesz syndrome. Last evaluated: 2018-01-13. Review status: criteria provided, single submitter. Criteria: ICSL Variant Classification Criteria 13 December 2019. Collection method: clinical testing. Allele origin: germline.
Comment: This variant was observed in the ICSL laboratory as part of a predisposition screen in an ostensibly healthy population. It had not been previously curated by ICSL or reported in the Human Gene Mutation Database (HGMD: prior to June 1st, 2018), and was therefore a candidate for classification through an automated scoring system. Utilizing variant allele frequency, disease prevalence and penetrance estimates, and inheritance mode, an automated score was calculated to assess if this variant is too frequent to cause the disease. Based on the score and internal cut-off values, a variant classified as benign is not then subjected to further curation. The score for this variant resulted in a classification of benign for this disease.

Illumina Laboratory Services, Illumina
Classification: Benign for Dyskeratosis congenita, autosomal dominant 3. Last evaluated: 2018-01-13. Review status: criteria provided, single submitter. Criteria: ICSL Variant Classification Criteria 13 December 2019. Collection method: clinical testing. Allele origin: germline.
Comment: the same text as in the submission from Illumina Laboratory Services, Illumina above.

NM_001099274.3(TINF2):c.-266G>A

Genes: TINF2 (TERF1 interacting nuclear factor 2; minus strand), LOC130055404 (ATAC-STARR-seq lymphoblastoid active region 8200; plus strand). Cytogenetic location: 14q12.
Variant type: single nucleotide variant.
Coding change: c.-266G>A on transcript NM_001099274.3 (MANE Select); 266 bases upstream of the start codon, G replaced by A.
Molecular consequence: 5 prime UTR variant.
Genome position (GRCh38, 1-based): chr14:24,242,598, C>T on the plus strand (G>A on the coding strand, the complement: TINF2 is on the minus strand). VCF-style: chr14-24242598-C-T. GRCh37 (hg19) VCF-style: chr14-24711804-C-T.
Other names: c.-266G>A (NM_001363668.2, NM_012461.3).
Identifiers: ClinVar variation 312966 (VCV000312966.7), dbSNP rs35886534, ClinGen allele CA10644036.